The following is an entry in ClinVar:

NM_022124.6(CDH23):c.7405G>A (p.Asp2469Asn)

Gene: CDH23 (cadherin related 23; plus strand). Cytogenetic location: 10q22.1.
Variant type: single nucleotide variant.
Coding change: c.7405G>A on transcript NM_022124.6 (MANE Select); coding-DNA position 7405, G replaced by A.
Protein change: p.Asp2469Asn; replaces aspartic acid 2469 with asparagine.
Molecular consequence: missense variant.
Genome position (GRCh38, 1-based): chr10:71,800,678, G>A. VCF-style: chr10-71800678-G-A. GRCh37 (hg19) VCF-style: chr10-73560435-G-A.
Other names: c.685G>A, p.Asp229Asn (NM_001171933.1, NM_001171934.1); c.7405G>A (NM_022124.5); short protein forms D229N, D2469N.
Identifiers: ClinVar variation 2418647 (VCV002418647.6), dbSNP rs749983579, ClinGen allele CA5546340.

ClinVar aggregate classification (germline): Uncertain significance. Review status: criteria provided, multiple submitters, no conflicts (2 of 4 stars). 3 submissions from 3 submitters: Uncertain significance (2). 1 of the submissions does not count toward it. Last evaluated 2022-12-28.

Conditions:
CDH23-related disorder. Also called: CDH23-related disorders; CDH23-related condition.

Allele frequency attached by ClinVar (database versions not stated): gnomAD exomes below 0.00001; TOPMed below 0.00001; gnomAD 0.00001; ExAC 0.00002.
gnomAD v4.1: 5 of 1,611,918 alleles (0.00031%); highest among the groups gnomAD compares: Admixed American, 0.0083%; no homozygotes.

Submissions (3):

GeneDx
Classification: Uncertain significance. Last evaluated: 2022-12-28. Review status: criteria provided, single submitter. Criteria: GeneDx Variant Classification Process June 2021. Collection method: clinical testing. Allele origin: germline. Affected: yes.
Comment: In silico analysis supports that this missense variant does not alter protein structure/function; Has not been previously published as pathogenic or benign to our knowledge

Labcorp Genetics (formerly Invitae), Labcorp
Classification: Uncertain significance. Last evaluated: 2022-07-26. Review status: criteria provided, single submitter. Criteria: Invitae Variant Classification Sherloc (09022015). Collection method: clinical testing. Allele origin: germline.
Comment: In summary, the available evidence is currently insufficient to determine the role of this variant in disease. Therefore, it has been classified as a Variant of Uncertain Significance. Algorithms developed to predict the effect of missense changes on protein structure and function output the following: SIFT: "Tolerated"; PolyPhen-2: "Not Available"; Align-GVGD: "Class C0". The asparagine amino acid residue is found in multiple mammalian species, which suggests that this missense change does not adversely affect protein function. This variant has not been reported in the literature in individuals affected with CDH23-related conditions. This variant is present in population databases (rs749983579, gnomAD 0.01%). This sequence change replaces aspartic acid, which is acidic and polar, with asparagine, which is neutral and polar, at codon 2469 of the CDH23 protein (p.Asp2469Asn).

PreventionGenetics, part of Exact Sciences
Classification: Uncertain significance for CDH23-related condition. Last evaluated: 2024-03-15. Review status: no assertion criteria provided. Collection method: clinical testing. Allele origin: germline. Not counted in ClinVar's aggregate classification.
Comment: The CDH23 c.7405G>A variant is predicted to result in the amino acid substitution p.Asp2469Asn. To our knowledge, this variant has not been reported in the literature. This variant is reported in 0.012% of alleles in individuals of Latino descent in gnomAD. At this time, the clinical significance of this variant is uncertain due to the absence of conclusive functional and genetic evidence.